The following is an entry in ClinVar:

NM_080680.3(COL11A2):c.2516A>T (p.Glu839Val)

Gene: COL11A2 (collagen type XI alpha 2 chain; minus strand). Cytogenetic location: 6p21.32.
Variant type: single nucleotide variant.
Coding change: c.2516A>T on transcript NM_080680.3 (MANE Select); coding-DNA position 2516, A replaced by T.
Protein change: p.Glu839Val; replaces glutamic acid 839 with valine.
Molecular consequence: missense variant.
Genome position (GRCh38, 1-based): chr6:33,174,024, T>A on the plus strand (A>T on the coding strand, the complement: COL11A2 is on the minus strand). VCF-style: chr6-33174024-T-A. GRCh37 (hg19) VCF-style: chr6-33141801-T-A.
Other names: c.2195A>T, p.Glu732Val (NM_080679.3); c.2258A>T, p.Glu753Val (NM_080681.3); short protein forms E839V, E732V, E753V.
Identifiers: ClinVar variation 930145 (VCV000930145.10), dbSNP rs1770531178, ClinGen allele CA363643298.

ClinVar aggregate classification (germline): Uncertain significance. Review status: criteria provided, multiple submitters, no conflicts (2 of 4 stars). 2 submissions from 2 submitters: Uncertain significance (2). Last evaluated 2022-06-20.

Submissions (2):

Labcorp Genetics (formerly Invitae), Labcorp
Classification: Uncertain significance. Last evaluated: 2022-06-20. Review status: criteria provided, single submitter. Criteria: Invitae Variant Classification Sherloc (09022015). Collection method: clinical testing. Allele origin: germline.
Comment: In summary, the available evidence is currently insufficient to determine the role of this variant in disease. Therefore, it has been classified as a Variant of Uncertain Significance. Algorithms developed to predict the effect of sequence changes on RNA splicing suggest that this variant may create or strengthen a splice site. Advanced modeling of protein sequence and biophysical properties (such as structural, functional, and spatial information, amino acid conservation, physicochemical variation, residue mobility, and thermodynamic stability) performed at Invitae indicates that this missense variant is not expected to disrupt COL11A2 protein function. ClinVar contains an entry for this variant (Variation ID: 930145). This variant has not been reported in the literature in individuals affected with COL11A2-related conditions. This variant is not present in population databases (gnomAD no frequency). This sequence change replaces glutamic acid, which is acidic and polar, with valine, which is neutral and non-polar, at codon 839 of the COL11A2 protein (p.Glu839Val).

Laboratory for Molecular Medicine, Mass General Brigham Personalized Medicine
Classification: Uncertain significance. Last evaluated: 2020-04-02. Review status: criteria provided, single submitter. Criteria: LMM Criteria. Collection method: clinical testing. Allele origin: germline. Observed: 1 variant allele.
Comment: The p.Glu839Val variant in COL11A2 has not been previously reported in individuals with COL11A2-related disorders and was absent from large population studies. Computational prediction tools and conservation analyses do not provide strong support for or against an impact to the protein. In summary, the clinical significance of this variant is uncertain. ACMG/AMP Criteria applied: PM2.